The following is an entry in ClinVar:

NM_025074.7(FRAS1):c.6401A>G (p.Asn2134Ser)

Gene: FRAS1 (Fraser extracellular matrix complex subunit 1; plus strand). Cytogenetic location: 4q21.21.
Variant type: single nucleotide variant.
Coding change: c.6401A>G on transcript NM_025074.7 (MANE Select); coding-DNA position 6401, A replaced by G.
Protein change: p.Asn2134Ser; replaces asparagine 2134 with serine.
Molecular consequence: missense variant.
Genome position (GRCh38, 1-based): chr4:78,450,277, A>G. VCF-style: chr4-78450277-A-G. GRCh37 (hg19) VCF-style: chr4-79371431-A-G.
Other names: short protein forms N2134S.
Identifiers: ClinVar variation 1698312 (VCV001698312.2), dbSNP rs777249203, ClinGen allele CA2977768.

ClinVar aggregate classification (germline): Uncertain significance (1 of 4 stars; one submission).

Allele frequency attached by ClinVar (database versions not stated): gnomAD exomes 0.00002; TOPMed 0.00003; gnomAD 0.00001; ExAC 0.00002.
gnomAD v4.1: 8 of 1,613,770 alleles (0.0005%); highest among the groups gnomAD compares: East Asian, 0.013%; no homozygotes.

Submission:

GeneDx
Classification: Uncertain significance. Last evaluated: 2022-01-21. Review status: criteria provided, single submitter. Criteria: GeneDx Variant Classification Process June 2021. Collection method: clinical testing. Allele origin: germline. Affected: yes.
Comment: In silico analysis supports that this missense variant does not alter protein structure/function; Identified with a missense variant on the same allele (in cis) and another missense variant on the opposite allele (in trans) in a neonate with multiple congenital anomalies in the literature (Wang et al., 2021); This variant is associated with the following publications: (PMID: 33502061)